The following is an entry in ClinVar:

ClinVar aggregate classification (germline): Uncertain significance (1 of 4 stars; one submission).

Conditions:
Frontotemporal dementia and/or amyotrophic lateral sclerosis 2. Also called: FTDALS2. Identifiers: Orphanet 275872, MedGen C4014648, MONDO:0014395, OMIM 615911.
Autosomal dominant mitochondrial myopathy with exercise intolerance (IMMD). Also called: Myopathy, isolated mitochondrial, autosomal dominant. Identifiers: Orphanet 457050, MedGen C4015513, MONDO:0014532, OMIM 616209.
Lower motor neuron syndrome with late-adult onset (SMAJ). Also called: Spinal muscular atrophy, Jokela type; Late-Onset Spinal Motor Neuronopathy (SMAJ). Identifiers: Orphanet 276435, MedGen C3554398, MONDO:0014025, OMIM 615048.

Submission:

Labcorp Genetics (formerly Invitae), Labcorp
Classification: Uncertain significance for Lower motor neuron syndrome with late-adult onset; Frontotemporal dementia and/or amyotrophic lateral sclerosis 2; Autosomal dominant mitochondrial myopathy with exercise intolerance. Last evaluated: 2019-03-05. Review status: criteria provided, single submitter. Criteria: Invitae Variant Classification Sherloc (09022015). Collection method: clinical testing. Allele origin: germline.
Comment: Algorithms developed to predict the effect of missense changes on protein structure and function output the following: SIFT: "Tolerated"; PolyPhen-2: "Benign"; Align-GVGD: "Class C0". The asparagine amino acid residue is found in multiple mammalian species, suggesting that this missense change does not adversely affect protein function. These predictions have not been confirmed by published functional studies and their clinical significance is uncertain. This sequence change replaces serine with asparagine at codon 67 of the CHCHD10 protein (p.Ser67Asn). The serine residue is moderately conserved and there is a small physicochemical difference between serine and asparagine. This variant is not present in population databases (ExAC no frequency). This variant has not been reported in the literature in individuals with CHCHD10-related conditions. In summary, the available evidence is currently insufficient to determine the role of this variant in disease. Therefore, it has been classified as a Variant of Uncertain Significance.

NM_213720.3(CHCHD10):c.200G>A (p.Ser67Asn)

Gene: CHCHD10 (coiled-coil-helix-coiled-coil-helix domain containing 10; minus strand). Cytogenetic location: 22q11.23.
Variant type: single nucleotide variant.
Coding change: c.200G>A on transcript NM_213720.3 (MANE Select); coding-DNA position 200, G replaced by A.
Protein change: p.Ser67Asn; replaces serine 67 with asparagine.
Molecular consequence: missense variant. On other transcripts: non-coding transcript variant (1).
Genome position (GRCh38, 1-based): chr22:23,767,435, C>T on the plus strand (G>A on the coding strand, the complement: CHCHD10 is on the minus strand). VCF-style: chr22-23767435-C-T. GRCh37 (hg19) VCF-style: chr22-24109622-C-T.
Other names: c.200G>A, p.Ser67Asn (NM_001301339.2); short protein forms S67N.
Identifiers: ClinVar variation 844201 (VCV000844201.9), dbSNP rs1926926045, ClinGen allele CA410916175.
Genomic context (GRCh38, chr22:23,767,435, plus strand): 5'-TGCTGGACAGCAGGCTGGGAGGGCTCCGAGCTCCCCCCGCTGAAGGCTCCGGTCAGGGCG[C>T]TGCCCATGACGTGTCCCACAGCCGAGCCCACGGCTACCCCTGCGGCCGTGGTCGCCATCT-3'
Protein context (NP_998885.1, residues 57-77): VGSAVGHVMG[Ser67Asn]ALTGAFSGGS